The following is an entry in ClinVar:

ClinVar aggregate classification (germline): Uncertain significance (1 of 4 stars; one submission).

Conditions:
3-methylglutaconic aciduria type 1 (MGCA1). Identifiers: Orphanet 67046, MedGen C0342727, MONDO:0009610, OMIM 250950.

Allele frequency attached by ClinVar (database versions not stated): gnomAD exomes below 0.00001; TOPMed below 0.00001.
gnomAD v4.1: 1 of 1,614,176 alleles (0.000062%); highest among the groups gnomAD compares: Admixed American, 0.0017%; no homozygotes.

Submission:

Labcorp Genetics (formerly Invitae), Labcorp
Classification: Uncertain significance for 3-methylglutaconic aciduria type 1. Last evaluated: 2024-12-16. Review status: criteria provided, single submitter. Criteria: Invitae Variant Classification Sherloc (09022015). Collection method: clinical testing. Allele origin: germline.
Comment: This sequence change replaces phenylalanine, which is neutral and non-polar, with serine, which is neutral and polar, at codon 278 of the AUH protein (p.Phe278Ser). This variant is present in population databases (no rsID available, gnomAD 0.003%). This variant has not been reported in the literature in individuals affected with AUH-related conditions. ClinVar contains an entry for this variant (Variation ID: 1473536). Invitae Evidence Modeling of protein sequence and biophysical properties (such as structural, functional, and spatial information, amino acid conservation, physicochemical variation, residue mobility, and thermodynamic stability) indicates that this missense variant is not expected to disrupt AUH protein function with a negative predictive value of 80%. In summary, the available evidence is currently insufficient to determine the role of this variant in disease. Therefore, it has been classified as a Variant of Uncertain Significance.

NM_001698.3(AUH):c.833T>C (p.Phe278Ser)

Gene: AUH (AU RNA binding methylglutaconyl-CoA hydratase; minus strand). Cytogenetic location: 9q22.31.
Variant type: single nucleotide variant.
Coding change: c.833T>C on transcript NM_001698.3 (MANE Select); coding-DNA position 833, T replaced by C.
Protein change: p.Phe278Ser; replaces phenylalanine 278 with serine.
Molecular consequence: missense variant.
Genome position (GRCh38, 1-based): chr9:91,220,815, A>G on the plus strand (T>C on the coding strand, the complement: AUH is on the minus strand). VCF-style: chr9-91220815-A-G. GRCh37 (hg19) VCF-style: chr9-93983097-A-G.
Other names: c.746T>C, p.Phe249Ser (NM_001306190.2); c.506T>C, p.Phe169Ser (NM_001351431.2, NM_001351432.2, NM_001351433.2); short protein forms F278S, F169S, F249S.
Identifiers: ClinVar variation 1473536 (VCV001473536.8), dbSNP rs1398261487, ClinGen allele CA373835010.